The following is an entry in ClinVar:

ClinVar aggregate classification (germline): Uncertain significance (1 of 4 stars; one submission).

Submission:

GeneDx
Classification: Uncertain significance. Last evaluated: 2022-02-07. Review status: criteria provided, single submitter. Criteria: GeneDx Variant Classification Process June 2021. Collection method: clinical testing. Allele origin: germline. Affected: yes.
Comment: Has not been previously published as pathogenic or benign to our knowledge; In silico analysis supports that this missense variant has a deleterious effect on protein structure/function; Not observed at significant frequency in large population cohorts (gnomAD)

NM_001083961.2(WDR62):c.1005C>G (p.His335Gln)

Gene: WDR62 (WD repeat domain 62; plus strand). Cytogenetic location: 19q13.12.
Variant type: single nucleotide variant.
Coding change: c.1005C>G on transcript NM_001083961.2 (MANE Select); coding-DNA position 1005, C replaced by G.
Protein change: p.His335Gln; replaces histidine 335 with glutamine.
Molecular consequence: missense variant.
Genome position (GRCh38, 1-based): chr19:36,071,678, C>G. VCF-style: chr19-36071678-C-G. GRCh37 (hg19) VCF-style: chr19-36562580-C-G.
Other names: c.1005C>G, p.His335Gln (NM_173636.5); short protein forms H335Q.
Identifiers: ClinVar variation 1341634 (VCV001341634.2), dbSNP rs2145626544, ClinGen allele CA405432171.